The following is an entry in ClinVar:

NM_000492.4(CFTR):c.388C>G (p.Leu130Val)

Gene: CFTR (CF transmembrane conductance regulator; plus strand). Cytogenetic location: 7q31.2.
Variant type: single nucleotide variant.
Coding change: c.388C>G on transcript NM_000492.4 (MANE Select); coding-DNA position 388, C replaced by G.
Protein change: p.Leu130Val; replaces leucine 130 with valine.
Molecular consequence: missense variant.
Genome position (GRCh38, 1-based): chr7:117,531,013, C>G. VCF-style: chr7-117531013-C-G. GRCh37 (hg19) VCF-style: chr7-117171067-C-G.
Other names: short protein forms L130V.
Identifiers: ClinVar variation 53842 (VCV000053842.10), dbSNP rs397508632, ClinGen allele CA327329.

ClinVar aggregate classification (germline): Uncertain significance. Review status: criteria provided, multiple submitters, no conflicts (2 of 4 stars). 7 submissions from 7 submitters: Uncertain significance (6). 1 of the submissions does not count toward it. Last evaluated 2026-05-11.

Conditions:
CFTR-related disorder (CFTR-RD). Also called: CFTR-related condition; CFTR-related disorders. Identifiers: MedGen C5924204, MONDO:7770004.
Cystic fibrosis (CF). Also called: MUCOVISCIDOSIS. Identifiers: Orphanet 586, MedGen C0010674, MONDO:0009061, OMIM 219700. Disease mechanism: loss of function.

Allele frequency attached by ClinVar (database versions not stated): gnomAD below 0.00001 and 0.00002; gnomAD exomes 0.00002 and 0.00004; ExAC 0.00006; 1000 Genomes Project 30x 0.00016; 1000 Genomes Project 0.00020.
gnomAD v4.1: 29 of 1,613,602 alleles (0.0018%); highest among the groups gnomAD compares: South Asian, 0.031%; no homozygotes.

Submissions (7):

PreventionGenetics, part of Exact Sciences
Classification: Uncertain significance for CFTR-related condition. Last evaluated: 2026-05-11. Review status: criteria provided, single submitter. Criteria: ACMG Guidelines, 2015. Collection method: clinical testing. Allele origin: germline.
Comment: The CFTR c.388C>G variant is predicted to result in the amino acid substitution p.Leu130Val. To our knowledge, this variant has not been reported in the literature. This variant is reported in 0.033% of alleles in individuals of South Asian descent in gnomAD. At this time, the clinical significance of this variant is uncertain due to the absence of conclusive functional and genetic evidence.

Ambry Genetics
Classification: Uncertain significance for Cystic fibrosis. Last evaluated: 2025-10-14. Review status: criteria provided, single submitter. Criteria: Ambry Variant Classification Scheme 2023. Collection method: clinical testing. Allele origin: germline.
Comment: The p.L130V variant (also known as c.388C>G), located in coding exon 4 of the CFTR gene, results from a C to G substitution at nucleotide position 388. The leucine at codon 130 is replaced by valine, an amino acid with highly similar properties. This amino acid position is conserved. In addition, the in silico prediction for this alteration is inconclusive. Since supporting evidence is limited at this time, the clinical significance of this alteration remains unclear.

Blueprint Genetics
Classification: Uncertain significance. Last evaluated: 2024-09-04. Review status: criteria provided, single submitter. Criteria: ACMG Guidelines, 2015. Collection method: clinical testing. Allele origin: germline.

ARUP Laboratories, Molecular Genetics and Genomics, ARUP Laboratories
Classification: Uncertain significance. Last evaluated: 2023-09-11. Review status: criteria provided, single submitter. Criteria: ARUP Molecular Germline Variant Investigation Process 2024. Collection method: clinical testing. Allele origin: germline.
Comment: The CFTR c.388C>G; p.Leu130Val variant (rs397508632), is reported in one patient with borderline sweat chloride levels, but a second CFTR variant was not identified (see link to database). This variant is also reported in ClinVar (Variation ID: 53842). It is observed in the general population with an overall allele frequency of 0.004% (11/250878 alleles) in the Genome Aggregation Database. Computational analyses are uncertain whether this variant is neutral or deleterious (REVEL: 0.619). Due to limited information, the clinical significance of this variant is uncertain at this time. References: Cystic Fibrosis Mutation Database

Labcorp Genetics (formerly Invitae), Labcorp
Classification: Uncertain significance for Cystic fibrosis. Last evaluated: 2022-09-20. Review status: criteria provided, single submitter. Criteria: Invitae Variant Classification Sherloc (09022015). Collection method: clinical testing. Allele origin: germline.
Comment: This sequence change replaces leucine, which is neutral and non-polar, with valine, which is neutral and non-polar, at codon 130 of the CFTR protein (p.Leu130Val). This variant is present in population databases (rs397508632, gnomAD 0.04%). This variant has not been reported in the literature in individuals affected with CFTR-related conditions. ClinVar contains an entry for this variant (Variation ID: 53842). Advanced modeling of protein sequence and biophysical properties (such as structural, functional, and spatial information, amino acid conservation, physicochemical variation, residue mobility, and thermodynamic stability) performed at Invitae indicates that this missense variant is expected to disrupt CFTR protein function. In summary, the available evidence is currently insufficient to determine the role of this variant in disease. Therefore, it has been classified as a Variant of Uncertain Significance.

Quest Diagnostics Nichols Institute San Juan Capistrano
Classification: Uncertain significance. Last evaluated: 2021-07-01. Review status: criteria provided, single submitter. Criteria: Quest Diagnostics criteria. Collection method: clinical testing. Allele origin: unknown.

Natera, Inc.
Classification: Uncertain significance for CFTR-related disorders. Last evaluated: 2018-09-11. Review status: no assertion criteria provided. Collection method: clinical testing. Allele origin: germline. Not counted in ClinVar's aggregate classification.